The following is an entry in ClinVar:

NM_004168.4(SDHA):c.1096C>G (p.Leu366Val)

Gene: SDHA (succinate dehydrogenase complex flavoprotein subunit A; plus strand). Cytogenetic location: 5p15.33.
Variant type: single nucleotide variant.
Coding change: c.1096C>G on transcript NM_004168.4 (MANE Select); coding-DNA position 1096, C replaced by G.
Protein change: p.Leu366Val; replaces leucine 366 with valine.
Molecular consequence: missense variant.
Genome position (GRCh38, 1-based): chr5:235,175, C>G. VCF-style: chr5-235175-C-G. GRCh37 (hg19) VCF-style: chr5-235290-C-G.
Other names: c.952C>G, p.Leu318Val (NM_001294332.2); c.1096C>G, p.Leu366Val (NM_001330758.2); short protein forms L318V, L366V.
Identifiers: ClinVar variation 3754198 (VCV003754198.2).

ClinVar aggregate classification (germline): Uncertain significance (1 of 4 stars; one submission).

Conditions:
Mitochondrial complex II deficiency, nuclear type 1. Also called: SUCCINATE CoQ REDUCTASE DEFICIENCY. Identifiers: Orphanet 3208, MedGen C5700310, MONDO:0100294, OMIM 252011.
Pheochromocytoma/paraganglioma syndrome 5. Also called: Paragangliomas 5; SDHA-Related Hereditary Paraganglioma-Pheochromocytoma Syndrome. Identifiers: Orphanet 29072, MedGen C3279992, MONDO:0013602, OMIM 614165.

Submission:

Labcorp Genetics (formerly Invitae), Labcorp
Classification: Uncertain significance for Pheochromocytoma/paraganglioma syndrome 5; Mitochondrial complex II deficiency, nuclear type 1. Last evaluated: 2024-07-23. Review status: criteria provided, single submitter. Criteria: Invitae Variant Classification Sherloc (09022015). Collection method: clinical testing. Allele origin: germline.
Comment: This sequence change replaces leucine, which is neutral and non-polar, with valine, which is neutral and non-polar, at codon 366 of the SDHA protein (p.Leu366Val). This variant is not present in population databases (gnomAD no frequency). This variant has not been reported in the literature in individuals affected with SDHA-related conditions. Advanced modeling of protein sequence and biophysical properties (such as structural, functional, and spatial information, amino acid conservation, physicochemical variation, residue mobility, and thermodynamic stability) has been performed at Invitae for this missense variant, however the output from this modeling did not meet the statistical confidence thresholds required to predict the impact of this variant on SDHA protein function. In summary, the available evidence is currently insufficient to determine the role of this variant in disease. Therefore, it has been classified as a Variant of Uncertain Significance.